The following is an entry in ClinVar:

ClinVar aggregate classification (germline): Uncertain significance (1 of 4 stars; one submission).

Conditions:
Werner syndrome (WRN). Identifiers: Orphanet 902, MedGen C0043119, MONDO:0010196, OMIM 277700.

gnomAD v4.1: 10 of 1,592,554 alleles (0.00063%); highest among the groups gnomAD compares: Admixed American, 0.0054%; no homozygotes.

Submission:

Labcorp Genetics (formerly Invitae), Labcorp
Classification: Uncertain significance for Werner syndrome. Last evaluated: 2022-08-12. Review status: criteria provided, single submitter. Criteria: Invitae Variant Classification Sherloc (09022015). Collection method: clinical testing. Allele origin: germline.
Comment: This sequence change replaces arginine, which is basic and polar, with serine, which is neutral and polar, at codon 280 of the WRN protein (p.Arg280Ser). The frequency data for this variant in the population databases is considered unreliable, as metrics indicate poor data quality at this position in the gnomAD database. This variant has not been reported in the literature in individuals affected with WRN-related conditions. Algorithms developed to predict the effect of missense changes on protein structure and function output the following: SIFT: "Not Available"; PolyPhen-2: "Possibly Damaging"; Align-GVGD: "Not Available". The serine amino acid residue is found in multiple mammalian species, which suggests that this missense change does not adversely affect protein function. Algorithms developed to predict the effect of sequence changes on RNA splicing suggest that this variant may disrupt the consensus splice site. In summary, the available evidence is currently insufficient to determine the role of this variant in disease. Therefore, it has been classified as a Variant of Uncertain Significance.

NM_000553.6(WRN):c.840G>T (p.Arg280Ser)

Gene: WRN (WRN RecQ like helicase; plus strand). Cytogenetic location: 8p12.
Variant type: single nucleotide variant.
Coding change: c.840G>T on transcript NM_000553.6 (MANE Select); coding-DNA position 840, G replaced by T.
Protein change: p.Arg280Ser; replaces arginine 280 with serine.
Molecular consequence: missense variant.
Genome position (GRCh38, 1-based): chr8:31,080,867, G>T. VCF-style: chr8-31080867-G-T. GRCh37 (hg19) VCF-style: chr8-30938383-G-T.
Other names: short protein forms R280S.
Identifiers: ClinVar variation 2167716 (VCV002167716.1), dbSNP rs1408343355, ClinGen allele CA370919581.